The following is an entry in ClinVar:

NM_014804.3(KIAA0753):c.195A>G (p.Ser65=)

Gene: KIAA0753 (KIAA0753; minus strand). Cytogenetic location: 17p13.1.
Variant type: single nucleotide variant.
Coding change: c.195A>G on transcript NM_014804.3 (MANE Select); coding-DNA position 195, A replaced by G.
Protein change: p.Ser65=; no amino-acid change (serine 65 retained).
Molecular consequence: synonymous variant. On other transcripts: 5 prime UTR variant (1), non-coding transcript variant (3).
Genome position (GRCh38, 1-based): chr17:6,628,640, T>C on the plus strand (A>G on the coding strand, the complement: KIAA0753 is on the minus strand). VCF-style: chr17-6628640-T-C. GRCh37 (hg19) VCF-style: chr17-6531960-T-C.
Other names: c.-1040A>G (NM_001351225.2).
Identifiers: ClinVar variation 719781 (VCV000719781.17), dbSNP rs201088411, ClinGen allele CA8330818.

ClinVar aggregate classification (germline): Benign/Likely benign. Review status: criteria provided, multiple submitters, no conflicts (2 of 4 stars). 3 submissions from 3 submitters: Benign (1); Likely benign (2). Last evaluated 2026-06-01.

Allele frequency attached by ClinVar (database versions not stated): ExAC 0.00016; gnomAD exomes 0.00023 and 0.00091; 1000 Genomes Project 0.00040; 1000 Genomes Project 30x 0.00047; TOPMed 0.00224; gnomAD 0.00239 and 0.00246.
gnomAD v4.1: 682 of 1,614,116 alleles (0.042%); highest among the groups gnomAD compares: Admixed American, 1.1%; 17 homozygotes.

Submissions (3):

CeGaT Center for Human Genetics Tuebingen
Classification: Benign. Last evaluated: 2026-06-01. Review status: criteria provided, single submitter. Criteria: CeGaT Center For Human Genetics Tuebingen Variant Classification Criteria Version 2. Collection method: clinical testing. Allele origin: germline. Affected: yes. Observed: 5 variant alleles.
Comment: KIAA0753: BP4, BP7, BS1, BS2

Labcorp Genetics (formerly Invitae), Labcorp
Classification: Likely benign. Last evaluated: 2026-02-01. Review status: criteria provided, single submitter. Criteria: Invitae Variant Classification Sherloc (09022015). Collection method: clinical testing. Allele origin: germline.

Breakthrough Genomics
Classification: Likely benign. Review status: criteria provided, single submitter. Criteria: ACMG Guidelines, 2015. Collection method: not provided. Allele origin: germline. Inheritance: Autosomal recessive inheritance. Affected: yes.